The following is an entry in ClinVar:

NM_001130438.3(SPTAN1):c.5576A>G (p.Glu1859Gly)

Gene: SPTAN1 (spectrin alpha, non-erythrocytic 1; plus strand). Cytogenetic location: 9q34.11.
Variant type: single nucleotide variant.
Coding change: c.5576A>G on transcript NM_001130438.3 (MANE Select); coding-DNA position 5576, A replaced by G.
Protein change: p.Glu1859Gly; replaces glutamic acid 1859 with glycine.
Molecular consequence: missense variant.
Genome position (GRCh38, 1-based): chr9:128,618,084, A>G. VCF-style: chr9-128618084-A-G. GRCh37 (hg19) VCF-style: chr9-131380363-A-G.
Other names: c.5501A>G, p.Glu1834Gly (NM_001195532.2); c.5576A>G, p.Glu1859Gly (NM_001363759.2, NM_001375310.1, NM_001375311.2 and 1 more transcripts); c.5516A>G, p.Glu1839Gly (NM_001363765.2, NM_001375314.2); c.5612A>G, p.Glu1871Gly (NM_001375312.2, NM_001375318.1); c.5561A>G, p.Glu1854Gly (NM_003127.4); short protein forms E1834G, E1839G, E1859G, E1871G, E1854G.
Identifiers: ClinVar variation 1401418 (VCV001401418.9), dbSNP rs2131800107, ClinGen allele CA375077338.

ClinVar aggregate classification (germline): Uncertain significance (1 of 4 stars; one submission).

Conditions:
Early-infantile DEE. Also called: Early infantile epileptic encephalopathy; Ohtahara syndrome; Early infantile epileptic encephalopathy with suppression bursts. Identifiers: Orphanet 1934, MedGen C0393706, MONDO:0800491.

Allele frequency attached by ClinVar (database versions not stated): gnomAD exomes below 0.00001.
gnomAD v4.1: 1 of 1,613,704 alleles (0.000062%); highest among the groups gnomAD compares: Non-Finnish European, 0.000085%; no homozygotes.

Submission:

Labcorp Genetics (formerly Invitae), Labcorp
Classification: Uncertain significance for Early-infantile DEE. Last evaluated: 2022-01-14. Review status: criteria provided, single submitter. Criteria: Invitae Variant Classification Sherloc (09022015). Collection method: clinical testing. Allele origin: germline.
Comment: This variant is not present in population databases (gnomAD no frequency). This sequence change replaces glutamic acid, which is acidic and polar, with glycine, which is neutral and non-polar, at codon 1859 of the SPTAN1 protein (p.Glu1859Gly). This variant has not been reported in the literature in individuals affected with SPTAN1-related conditions. Algorithms developed to predict the effect of missense changes on protein structure and function are either unavailable or do not agree on the potential impact of this missense change (SIFT: "Deleterious"; PolyPhen-2: "Benign"; Align-GVGD: "Class C35"). In summary, the available evidence is currently insufficient to determine the role of this variant in disease. Therefore, it has been classified as a Variant of Uncertain Significance.